The following is an entry in ClinVar:

ClinVar aggregate classification (germline): Uncertain significance (1 of 4 stars; one submission).

Submission:

Labcorp Genetics (formerly Invitae), Labcorp
Classification: Uncertain significance. Last evaluated: 2022-07-26. Review status: criteria provided, single submitter. Criteria: Invitae Variant Classification Sherloc (09022015). Collection method: clinical testing. Allele origin: germline.
Comment: In summary, the available evidence is currently insufficient to determine the role of this variant in disease. Therefore, it has been classified as a Variant of Uncertain Significance. Advanced modeling of protein sequence and biophysical properties (such as structural, functional, and spatial information, amino acid conservation, physicochemical variation, residue mobility, and thermodynamic stability) performed at Invitae indicates that this missense variant is not expected to disrupt CPLANE1 protein function. ClinVar contains an entry for this variant (Variation ID: 1467126). This variant has not been reported in the literature in individuals affected with CPLANE1-related conditions. This variant is not present in population databases (gnomAD no frequency). This sequence change replaces isoleucine, which is neutral and non-polar, with valine, which is neutral and non-polar, at codon 2453 of the CPLANE1 protein (p.Ile2453Val).

NM_001384732.1(CPLANE1):c.7357A>G (p.Ile2453Val)

Gene: CPLANE1 (ciliogenesis and planar polarity effector complex subunit 1; minus strand). Cytogenetic location: 5p13.2.
Variant type: single nucleotide variant.
Coding change: c.7357A>G on transcript NM_001384732.1 (MANE Select); coding-DNA position 7357, A replaced by G.
Protein change: p.Ile2453Val; replaces isoleucine 2453 with valine.
Molecular consequence: missense variant.
Genome position (GRCh38, 1-based): chr5:37,167,090, T>C on the plus strand (A>G on the coding strand, the complement: CPLANE1 is on the minus strand). VCF-style: chr5-37167090-T-C. GRCh37 (hg19) VCF-style: chr5-37167192-T-C.
Other names: c.7357A>G, p.Ile2453Val (NM_023073.4); short protein forms I2453V.
Identifiers: ClinVar variation 1467126 (VCV001467126.8), dbSNP rs2150897071, ClinGen allele CA359476937.
Genomic context (GRCh38, chr5:37,167,090, plus strand): 5'-TTTCACTTAAGCCTTGCCTTTTTTTACTGTCCTTTCCTTGTCTTACTTCAGGTGGTTCTA[T>C]TTTGACCTTTAGAAGTTGAAGGTGTCCAGCATCACCTTGTTCAAATAAATTATGTGTTAG-3'
Protein context (NP_001371661.1, residues 2443-2463): AGHLQLLKVK[Ile2453Val]EPPEVRQGKD